The following is an entry in ClinVar:

NM_000312.4(PROC):c.-21-5_-21-3del

Gene: PROC (protein C, inactivator of coagulation factors Va and VIIIa; plus strand). Cytogenetic location: 2q14.3.
Variant type: Microsatellite.
Coding change: c.-21-5_-21-3del on transcript NM_000312.4 (MANE Select); 5 bases into the intron before 21 bases upstream of the start codon through 3 bases into the intron before 21 bases upstream of the start codon, 3 bases deleted (CTC; older notation c.-21-5_-21-3delCTC).
Molecular consequence: intron variant. On other transcripts: inframe deletion (2), 5 prime UTR variant (1).
Genome position (GRCh38, 1-based): chr2:127,419,917-127,419,919, CTC deleted; deleting any 3 consecutive bases within chr2:127,419,912-127,419,919 gives the same sequence; the c. name uses the placement nearest the transcript's 3' end. VCF-style (leftmost placement, unchanged base first): chr2-127419911-GTCC-G. GRCh37 (hg19) VCF-style: chr2-128177487-GTCC-G.
Other names: p.?; c.155CTC[1], p.Pro53del (NM_001375602.1); c.91CTC[1], p.Leu32del (NM_001375607.1); c.-29CTC[1] (NM_001375613.1); c.-17-9_-17-7del (NM_001375611.1); c.-21-5_-21-3del (NM_001375605.1, NM_001375608.1, NM_001375610.1); c.47-9_47-7del (NM_001375606.1, NM_001375603.1, NM_001375604.1); c.47-1366_47-1364del (NM_001375609.1); short protein forms L32del, P53del.
Identifiers: ClinVar variation 4540664 (VCV004540664.1).
Genomic context (GRCh38, chr2:127,419,911, plus strand): 5'-CTTCCACCTGGGGGTGCAGGCAGAGCAGCAGCGGGGGTAGGCACTGCCCGGAGCTCAGAA[GTCC>G]TCCTCAGACAGGTGCCAGTGCCTCCAGAATGTGGCAGCTCACAAGCCTCCTGCTGTTCGT-3'

ClinVar aggregate classification (germline): Uncertain significance (1 of 4 stars; one submission).

Submission:

Mayo Clinic Laboratories, Mayo Clinic
Classification: Uncertain significance. Last evaluated: 2025-01-17. Review status: criteria provided, single submitter. Criteria: ACMG Guidelines, 2015. Collection method: clinical testing. Allele origin: germline. Observed: 1 variant allele.
Comment: PM2_supporting